The following is an entry in ClinVar:

ClinVar aggregate classification (germline): Likely pathogenic. Review status: criteria provided, multiple submitters, no conflicts (2 of 4 stars). 2 submissions from 2 submitters: Likely pathogenic (2). Last evaluated 2025-11-28.

Conditions:
Gaucher disease. Also called: Acute cerebral Gaucher disease; Cerebroside lipidosis syndrome; Gaucher splenomegaly; Sphingolipidosis 1; Glucocerebrosidosis; Glucosylceramidase deficiency. Identifiers: Orphanet 355, MedGen C0017205, MONDO:0018150.
Gaucher disease type I (GD1). Also called: ACID BETA-GLUCOSIDASE DEFICIENCY; GAUCHER DISEASE, NONCEREBRAL JUVENILE; GD 1; GBA DEFICIENCY; GD I; GLUCOCEREBROSIDASE DEFICIENCY. Identifiers: Orphanet 355, Orphanet 77259, MedGen C1961835, MONDO:0009265, OMIM 230800.

Allele frequency attached by ClinVar (database versions not stated): gnomAD exomes below 0.00001; ExAC 0.00001; TOPMed 0.00001.
gnomAD v4.1: 1 of 1,614,252 alleles (0.000062%); highest among the groups gnomAD compares: Non-Finnish European, 0.000085%; no homozygotes.

Submissions (2):

Natera, Inc.
Classification: Likely pathogenic for Gaucher disease. Last evaluated: 2025-11-28. Review status: criteria provided, single submitter. Criteria: Natera Variant Classification Schema (03/2026). Collection method: clinical testing. Allele origin: germline.
Comment: The c.1271T>C variant in GBA1 is a missense variant predicted to cause substitution of leucine to proline at amino acid 424. This variant is rare in the general population with a frequency below the threshold expected for the associated phenotype(s). This variant has been observed in one or more individuals affected with the associated recessive disease, as either homozygous or compound heterozygous with a second variant (PMID: 15954102, 28727984, 32165122, 30115580). This variant has been identified in one or more affected individuals with a phenotype highly consistent with the associated gene (PMID: 15954102, 28727984). Computational prediction algorithms indicate this variant is likely to affect gene or protein function. Given the available evidence, this variant is classified as Likely Pathogenic.

Molecular Diagnostics Laboratory, M Health Fairview: University of Minnesota
Classification: Likely pathogenic for Gaucher disease type I. Last evaluated: 2017-02-20. Review status: criteria provided, single submitter. Criteria: ACMG Guidelines, 2015. Collection method: clinical testing. Allele origin: germline. Affected: yes. Observed: 1 variant allele.

Literature cited by the submitters: PubMed 15954102 (cited by Natera, Inc. and Molecular Diagnostics Laboratory, M Health Fairview: University of Minnesota); PubMed 28727984 (cited by Natera, Inc.); PubMed 32165122 (cited by Natera, Inc.); PubMed 30115580 (cited by Natera, Inc.).

NM_000157.4(GBA1):c.1271T>C (p.Leu424Pro)

Genes: GBA1 (glucosylceramidase beta 1; minus strand), LOC106627981 (GBA recombination region; plus strand). Cytogenetic location: 1q22.
Variant type: single nucleotide variant.
Coding change: c.1271T>C on transcript NM_000157.4 (MANE Select); coding-DNA position 1271, T replaced by C.
Protein change: p.Leu424Pro; replaces leucine 424 with proline.
Molecular consequence: missense variant.
Genome position (GRCh38, 1-based): chr1:155,235,798, A>G on the plus strand (T>C on the coding strand, the complement: GBA1 is on the minus strand). VCF-style: chr1-155235798-A-G. GRCh37 (hg19) VCF-style: chr1-155205589-A-G.
Other names: c.1271T>C, p.Leu424Pro (NM_001005741.3, NM_001005742.3); c.1010T>C, p.Leu337Pro (NM_001171811.2); c.1124T>C, p.Leu375Pro (NM_001171812.2); c.1271T>C (NM_000157.3); short protein forms L424P, L337P, L375P.
Identifiers: ClinVar variation 623174 (VCV000623174.3), dbSNP rs772548282, ClinGen allele CA1141566.
Genomic context (GRCh38, chr1:155,235,798, plus strand): 5'-TCTACAATGATGGGACTGTCGACAAAGTTACGCACCCAATTGGGTCCTCCTTCGGGGTTC[A>G]GGGCAAGGTTCCAGTCGGTCCAGCCGACCACATGGTACAGGAGGTTCTAGGGTAAGGACA-3'
Protein context (NP_000148.2, residues 414-434): VVGWTDWNLA[Leu424Pro]NPEGGPNWVR